The following is an entry in ClinVar:

NM_001082538.3(TCTN1):c.1527del (p.Ala511fs)

Gene: TCTN1 (tectonic family member 1; plus strand). Cytogenetic location: 12q24.11.
Variant type: Deletion.
Coding change: c.1527del on transcript NM_001082538.3 (MANE Select); coding-DNA position 1527, one base deleted (A; older notation c.1527delA).
Protein change: p.Ala511fs; shifts the reading frame from alanine 511.
Molecular consequence: frameshift variant. On other transcripts: non-coding transcript variant (1).
Genome position (GRCh38, 1-based): chr12:110,647,228, A deleted. VCF-style (leftmost placement, unchanged base first): chr12-110647227-CA-C. GRCh37 (hg19) VCF-style: chr12-111085032-CA-C.
Other names: c.1512del, p.Ala506fs (NM_001082537.3); c.1344del, p.Ala450fs (NM_001173975.3); c.1200del, p.Ala402fs (NM_001173976.2); c.1365del, p.Ala457fs (NM_001319680.2); c.978del, p.Ala328fs (NM_001319681.2); c.1470del, p.Ala492fs (NM_024549.6); short protein forms A328fs, A450fs, A457fs, A402fs, A492fs, A506fs, A511fs.
Identifiers: ClinVar variation 1406500 (VCV001406500.6), dbSNP rs2136195903, ClinGen allele CA2573148036.

ClinVar aggregate classification (germline): Pathogenic (1 of 4 stars; one submission).

Conditions:
Joubert syndrome. Also called: CEREBELLOPARENCHYMAL DISORDER IV; JOUBERT-BOLTSHAUSER SYNDROME; Familial aplasia of the vermis. Identifiers: Orphanet 475, MedGen C5979921, MONDO:0018772.
Meckel-Gruber syndrome. Also called: DYSENCEPHALIA SPLANCHNOCYSTICA; GRUBER SYNDROME; Dysencephalia splachnocystica. Identifiers: Orphanet 564, MedGen C0265215, MONDO:0018921.

Submission:

Labcorp Genetics (formerly Invitae), Labcorp
Classification: Pathogenic for Joubert syndrome; Meckel-Gruber syndrome. Last evaluated: 2021-04-27. Review status: criteria provided, single submitter. Criteria: Invitae Variant Classification Sherloc (09022015). Collection method: clinical testing. Allele origin: germline.
Comment: For these reasons, this variant has been classified as Pathogenic. This variant has not been reported in the literature in individuals with TCTN1-related conditions. This variant is not present in population databases (ExAC no frequency). This sequence change creates a premature translational stop signal (p.Ala511Leufs*4) in the TCTN1 gene. It is expected to result in an absent or disrupted protein product. Loss-of-function variants in TCTN1 are known to be pathogenic (PMID: 21725307, 22693042, 27894351).

Literature cited by the submitters: PubMed 21725307; PubMed 22693042; PubMed 27894351.